The following is an entry in ClinVar:

NM_014141.6(CNTNAP2):c.1099T>C (p.Ser367Pro)

Gene: CNTNAP2 (contactin associated protein 2; plus strand). Cytogenetic location: 7q35.
Variant type: single nucleotide variant.
Coding change: c.1099T>C on transcript NM_014141.6 (MANE Select); coding-DNA position 1099, T replaced by C.
Protein change: p.Ser367Pro; replaces serine 367 with proline.
Molecular consequence: missense variant.
Genome position (GRCh38, 1-based): chr7:147,132,260, T>C. VCF-style: chr7-147132260-T-C. GRCh37 (hg19) VCF-style: chr7-146829352-T-C.
Other names: p.S367P:TCT>CCT; short protein forms S367P.
Identifiers: ClinVar variation 205231 (VCV000205231.6), dbSNP rs564865065, ClinGen allele CA314096.

ClinVar aggregate classification (germline): Uncertain significance. Review status: criteria provided, multiple submitters, no conflicts (2 of 4 stars). 2 submissions from 2 submitters: Uncertain significance (2). Last evaluated 2018-01-13.

Conditions:
Cortical dysplasia-focal epilepsy syndrome (PTHSL1). Also called: Pitt-Hopkins-like syndrome 1. Identifiers: Orphanet 163681, Orphanet 221150, MedGen C2750246, MONDO:0012400, OMIM 610042.

Allele frequency attached by ClinVar (database versions not stated): gnomAD exomes below 0.00001 and 0.00001; gnomAD 0.00001; ExAC 0.00002; 1000 Genomes Project 30x 0.00016; 1000 Genomes Project 0.00020.
gnomAD v4.1: 2 of 1,613,698 alleles (0.00012%); highest among the groups gnomAD compares: South Asian, 0.0022%; no homozygotes.

Submissions (2):

Illumina Laboratory Services, Illumina
Classification: Uncertain significance for Cortical dysplasia-focal epilepsy syndrome. Last evaluated: 2018-01-13. Review status: criteria provided, single submitter. Criteria: ICSL Variant Classification Criteria 13 December 2019. Collection method: clinical testing. Allele origin: germline.

GeneDx
Classification: Uncertain significance. Last evaluated: 2013-09-24. Review status: criteria provided, single submitter. Criteria: GeneDx Variant Classification (06012015). Collection method: clinical testing. Allele origin: germline. Affected: yes.
Comment: p.Ser367Pro (TCT>CCT): c.1099 T>C in CNTNAP2 gene (NM_014141.5). The Ser367Pro missense change has not been published as a mutation, nor has it been reported as a benign polymorphism to our knowledge. It was not observed in approximately 6,500 individuals of European and African American ancestry in the NHLBI Exome Sequencing Project, indicating it is not a common benign variant in these populations. This variant is a non-conservative amino acid substitution of a polar Serine residue with a non-polar Proline residue and the gain of a Proline may affect the secondary structure of the CNTNAP2 protein. However, Ser367Pro alters a poorly conserved position in the protein and in silico analysis predicts this variant likely has a benign effect on the protein structure/function.Therefore, based on the currently available information, it is unclear whether Ser367Pro is a disease-causing mutation or a rare benign variant. The variant is found in CHILD-EPI panel(s).